The following is an entry in ClinVar:

NM_001231.5(CASQ1):c.1168G>A (p.Asp390Asn)

Gene: CASQ1 (calsequestrin 1; plus strand). Cytogenetic location: 1q23.2.
Variant type: single nucleotide variant.
Coding change: c.1168G>A on transcript NM_001231.5 (MANE Select); coding-DNA position 1168, G replaced by A.
Protein change: p.Asp390Asn; replaces aspartic acid 390 with asparagine.
Molecular consequence: missense variant.
Genome position (GRCh38, 1-based): chr1:160,201,353, G>A. VCF-style: chr1-160201353-G-A. GRCh37 (hg19) VCF-style: chr1-160171143-G-A.
Other names: short protein forms D390N.
Identifiers: ClinVar variation 2627124 (VCV002627124.2), dbSNP rs764998802, ClinGen allele CA1196489.
Genomic context (GRCh38, chr1:160,201,353, plus strand): 5'-GCTGAGGAGCTGGAGGACTGGCTGGAGGATGTCCTGGAGGGCGAGATCAACACAGAGGAC[G>A]ATGACGATGATGATGATGACTAGTTGCTATGGCAACCATCTTTCAGCCCCACTGGTCTTT-3'
Protein context (NP_001222.3, residues 380-396): VLEGEINTED[Asp390Asn]DDDDDD

ClinVar aggregate classification (germline): Uncertain significance. Review status: criteria provided, multiple submitters, no conflicts (2 of 4 stars). 2 submissions from 2 submitters: Uncertain significance (2). Last evaluated 2024-01-29.

Conditions:
Inborn genetic diseases. Identifiers: MedGen C0950123, MeSH D030342.

Allele frequency attached by ClinVar (database versions not stated): gnomAD 0.00001; gnomAD exomes 0.00001; TOPMed 0.00002; ExAC 0.00004.
gnomAD v4.1: 15 of 1,613,852 alleles (0.00093%); highest among the groups gnomAD compares: East Asian, 0.0089%; no homozygotes.

Submissions (2):

Ambry Genetics
Classification: Uncertain significance for Inborn genetic diseases. Last evaluated: 2024-01-29. Review status: criteria provided, single submitter. Criteria: Ambry Variant Classification Scheme 2023. Collection method: clinical testing. Allele origin: germline.

Women's Health and Genetics/Laboratory Corporation of America, LabCorp
Classification: Uncertain significance. Last evaluated: 2023-09-06. Review status: criteria provided, single submitter. Criteria: LabCorp Variant Classification Summary - May 2015. Collection method: clinical testing. Allele origin: germline.
Comment: Variant summary: CASQ1 c.1168G>A (p.Asp390Asn) results in a conservative amino acid change in the encoded protein sequence. Four of five in-silico tools predict a damaging effect of the variant on protein function. The variant allele was found at a frequency of 1.6e-05 in 250898 control chromosomes (gnomAD). The available data on variant occurrences in the general population are insufficient to allow any conclusion about variant significance. To our knowledge, no occurrence of c.1168G>A in individuals affected with Myopathy Due to Calsequestrin And SERCA1 Protein Overload and no experimental evidence demonstrating its impact on protein function have been reported. No submitters have cited clinical-significance assessments for this variant to ClinVar after 2014. Based on the evidence outlined above, the variant was classified as uncertain significance.